The following is an entry in ClinVar:

ClinVar aggregate classification (germline): Uncertain significance (1 of 4 stars; one submission).

Submission:

GeneDx
Classification: Uncertain significance. Last evaluated: 2023-05-16. Review status: criteria provided, single submitter. Criteria: GeneDx Variant Classification Process June 2021. Collection method: clinical testing. Allele origin: germline. Affected: yes.
Comment: Not observed at significant frequency in large population cohorts (gnomAD); In silico analysis supports that this missense variant has a deleterious effect on protein structure/function; Has not been previously published as pathogenic or benign to our knowledge; This variant is associated with the following publications: (PMID: 28545555)

NM_017654.4(SAMD9):c.3383A>C (p.Lys1128Thr)

Gene: SAMD9 (sterile alpha motif domain containing 9; minus strand). Cytogenetic location: 7q21.2.
Variant type: single nucleotide variant.
Coding change: c.3383A>C on transcript NM_017654.4 (MANE Select); coding-DNA position 3383, A replaced by C.
Protein change: p.Lys1128Thr; replaces lysine 1128 with threonine.
Molecular consequence: missense variant.
Genome position (GRCh38, 1-based): chr7:93,102,715, T>G on the plus strand (A>C on the coding strand, the complement: SAMD9 is on the minus strand). VCF-style: chr7-93102715-T-G. GRCh37 (hg19) VCF-style: chr7-92732028-T-G.
Other names: c.3383A>C, p.Lys1128Thr (NM_001193307.2); short protein forms K1128T.
Identifiers: ClinVar variation 3343546 (VCV003343546.1).